The following is an entry in ClinVar:

ClinVar aggregate classification (germline): Uncertain significance (1 of 4 stars; one submission).

Conditions:
Epidermolysis bullosa simplex, Ogna type (EBS5A). Also called: Pidermolysis bullosa simplex 5A, Ogna type; EPIDERMOLYSIS BULLOSA SIMPLEX 5A, OGNA TYPE. Identifiers: Orphanet 79401, MedGen C0432317, MONDO:0007555, OMIM 131950.
Epidermolysis bullosa simplex 5C, with pyloric atresia (EBS5C). Also called: Epidermolysis bullosa simplex with pyloric atresia; PLEC-Related Epidermolysis Bullosa with Pyloric Atresia; PLEC1-Related Epidermolysis Bullosa with Pyloric Atresia. Identifiers: Orphanet 158684, MedGen C2677349, MONDO:0012807, OMIM 612138.
Epidermolysis bullosa simplex with nail dystrophy (EBS5D). Identifiers: MedGen C4225309, MONDO:0014661, OMIM 616487.
Epidermolysis bullosa simplex 5B, with muscular dystrophy (EBS5B). Also called: EPIDERMOLYSIS BULLOSA SIMPLEX AND LIMB-GIRDLE MUSCULAR DYSTROPHY; Epidermolysis bullosa simplex with muscular dystrophy. Identifiers: Orphanet 257, MedGen C2931072, MONDO:0009181, OMIM 226670.
Autosomal recessive limb-girdle muscular dystrophy type 2Q (LGMDR17). Also called: MUSCULAR DYSTROPHY, LIMB-GIRDLE, AUTOSOMAL RECESSIVE 17. Identifiers: Orphanet 254361, MedGen C3150989, MONDO:0013390, OMIM 613723.

Allele frequency attached by ClinVar (database versions not stated): gnomAD 0.00001; ExAC 0.00002.

Submission:

Labcorp Genetics (formerly Invitae), Labcorp
Classification: Uncertain significance for Autosomal recessive limb-girdle muscular dystrophy type 2Q; Epidermolysis bullosa simplex, Ogna type; Epidermolysis bullosa simplex with nail dystrophy; Epidermolysis bullosa simplex 5C, with pyloric atresia; Epidermolysis bullosa simplex 5B, with muscular dystrophy. Last evaluated: 2023-07-07. Review status: criteria provided, single submitter. Criteria: Invitae Variant Classification Sherloc (09022015). Collection method: clinical testing. Allele origin: germline.
Comment: This variant is not present in population databases (gnomAD no frequency). This sequence change replaces alanine, which is neutral and non-polar, with threonine, which is neutral and polar, at codon 2120 of the PLEC protein (p.Ala2120Thr). This variant has not been reported in the literature in individuals affected with PLEC-related conditions. ClinVar contains an entry for this variant (Variation ID: 648915). An algorithm developed to predict the effect of missense changes on protein structure and function (PolyPhen-2) suggests that this variant is likely to be tolerated. In summary, the available evidence is currently insufficient to determine the role of this variant in disease. Therefore, it has been classified as a Variant of Uncertain Significance.

NM_201384.3(PLEC):c.6277G>A (p.Ala2093Thr)

Gene: PLEC (plectin; minus strand). Cytogenetic location: 8q24.3.
Variant type: single nucleotide variant.
Coding change: c.6277G>A on transcript NM_201384.3 (MANE Select); coding-DNA position 6277, G replaced by A.
Protein change: p.Ala2093Thr; replaces alanine 2093 with threonine.
Molecular consequence: missense variant.
Genome position (GRCh38, 1-based): chr8:143,923,652, C>T on the plus strand (G>A on the coding strand, the complement: PLEC is on the minus strand). VCF-style: chr8-143923652-C-T. GRCh37 (hg19) VCF-style: chr8-144997820-C-T.
Other names: c.6358G>A, p.Ala2120Thr (NM_000445.5); c.6235G>A, p.Ala2079Thr (NM_201378.4); c.6211G>A, p.Ala2071Thr (NM_201379.3); c.6688G>A, p.Ala2230Thr (NM_201380.4); c.6181G>A, p.Ala2061Thr (NM_201381.3); c.6277G>A, p.Ala2093Thr (NM_201382.4); c.6289G>A, p.Ala2097Thr (NM_201383.3); short protein forms A2079T, A2093T, A2120T, A2061T, A2071T, A2097T, A2230T.
Identifiers: ClinVar variation 648915 (VCV000648915.6), dbSNP rs782302884, ClinGen allele CA4926058.